The following is an entry in ClinVar:

ClinVar aggregate classification (germline): Benign/Likely benign. Review status: criteria provided, multiple submitters, no conflicts (2 of 4 stars). 3 submissions from 3 submitters: Benign (1); Likely benign (2). Last evaluated 2026-07-09.

Conditions:
Hereditary cancer-predisposing syndrome. Also called: Hereditary Cancer Syndrome; Hereditary neoplastic syndrome; Neoplastic Syndromes, Hereditary; Tumor predisposition. Identifiers: Orphanet 140162, MedGen C0027672, MeSH D009386, MONDO:0015356.
Rhabdoid tumor predisposition syndrome 2 (RTPS2). Identifiers: Orphanet 231108, Orphanet 69077, MedGen C2750074, MONDO:0013224, OMIM 613325.

Allele frequency attached by ClinVar (database versions not stated): gnomAD 0.00001; gnomAD exomes 0.00001; TOPMed 0.00002; ExAC 0.00002.
gnomAD v4.1: 10 of 1,614,016 alleles (0.00062%); highest among the groups gnomAD compares: African/African-American, 0.004%; no homozygotes.

Submissions (3):

Myriad Genetics, Inc.
Classification: Benign for Rhabdoid tumor predisposition syndrome 2. Last evaluated: 2026-07-09. Review status: criteria provided, single submitter. Criteria: Myriad Autosomal Dominant, Autosomal Recessive and X-Linked Classification Criteria (2023). Collection method: clinical testing. Allele origin: unknown.
Comment: This variant is considered benign. This variant is a silent/synonymous amino acid change and it is not expected to impact splicing.

Labcorp Genetics (formerly Invitae), Labcorp
Classification: Likely benign for Rhabdoid tumor predisposition syndrome 2. Last evaluated: 2025-11-27. Review status: criteria provided, single submitter. Criteria: Invitae Variant Classification Sherloc (09022015). Collection method: clinical testing. Allele origin: germline.

Ambry Genetics
Classification: Likely benign for Hereditary cancer-predisposing syndrome. Last evaluated: 2016-02-01. Review status: criteria provided, single submitter. Criteria: Ambry Variant Classification Scheme 2023. Collection method: clinical testing. Allele origin: germline.

NM_003072.5(SMARCA4):c.1200G>A (p.Ala400=)

Gene: SMARCA4 (SWI/SNF related BAF chromatin remodeling complex subunit ATPase 4; plus strand). Cytogenetic location: 19p13.2.
Variant type: single nucleotide variant.
Coding change: c.1200G>A on transcript NM_003072.5 (MANE Select); coding-DNA position 1200, G replaced by A.
Protein change: p.Ala400=; no amino-acid change (alanine 400 retained).
Molecular consequence: synonymous variant. On other transcripts: non-coding transcript variant (1).
Genome position (GRCh38, 1-based): chr19:10,989,398, G>A. VCF-style: chr19-10989398-G-A. GRCh37 (hg19) VCF-style: chr19-11100074-G-A.
Other names: c.1200G>A, p.Ala400= (NM_001128844.3, NM_001128845.2, NM_001128846.2 and 5 more transcripts).
Identifiers: ClinVar variation 470234 (VCV000470234.17), dbSNP rs763820669, ClinGen allele CA9203714.
Genomic context (GRCh38, chr19:10,989,398, plus strand): 5'-CCGAATTCAGGAACTTGAAAACCTTCCCGGGTCCCTGGCCGGGGATTTGCGAACCAAAGC[G>A]ACCATTGAGCTCAAGGCCCTCAGGCTGCTGAACTTCCAGAGGCAGGTGGGTGCTGGCATG-3'
Protein context (NP_003063.2, residues 390-410): GSLAGDLRTK[Ala400=]TIELKALRLL